The following is an entry in ClinVar:

ClinVar aggregate classification (germline): Conflicting classifications of pathogenicity. Review status: criteria provided, conflicting classifications (1 of 4 stars). 7 submissions from 7 submitters: Uncertain significance (4); Likely benign (2). 1 of the submissions does not count toward it. Last evaluated 2026-05-12.

Conditions:
Hereditary cancer-predisposing syndrome. Also called: Hereditary Cancer Syndrome; Tumor predisposition; Neoplastic Syndromes, Hereditary; Hereditary neoplastic syndrome. Identifiers: Orphanet 140162, MedGen C0027672, MeSH D009386, MONDO:0015356.
Hereditary breast ovarian cancer syndrome. Also called: Hereditary breast and ovarian cancer syndrome; Breast and ovarian cancer; Hereditary breast and ovarian cancer; BRCA1- and BRCA2-Associated Hereditary Breast and Ovarian Cancer; Hereditary breast and ovarian cancer syndrome (HBOC); Hereditary breast and/or ovarian cancer syndrome. Identifiers: Orphanet 145, MedGen C0677776, MeSH D061325, MONDO:0003582. Disease mechanism: loss of function.
Breast-ovarian cancer, familial, susceptibility to, 2 (BROVCA2). Also called: BRCA2 Hereditary Breast and Ovarian Cancer. Identifiers: Orphanet 145, MedGen C2675520, MONDO:0012933, OMIM 612555. Disease mechanism: loss of function.

Allele frequency attached by ClinVar (database versions not stated): gnomAD exomes 0.00001.
gnomAD v4.1: 8 of 1,614,106 alleles (0.0005%); highest among the groups gnomAD compares: African/African-American, 0.0013%; no homozygotes.

Submissions (7):

Women's Health and Genetics/Laboratory Corporation of America, LabCorp
Classification: Uncertain significance. Last evaluated: 2026-05-12. Review status: criteria provided, single submitter. Criteria: LabCorp Variant Classification Summary - May 2015. Collection method: clinical testing. Allele origin: germline.
Comment: Variant summary: BRCA2 c.7610A>G (p.His2537Arg) results in a non-conservative amino acid change in the encoded protein sequence. Algorithms developed to predict the effect of missense changes on protein structure and function are either unavailable or do not agree on the potential impact of this missense change. The variant was absent in 250774 control chromosomes. The available data on variant occurrences in the general population are insufficient to allow any conclusion about variant significance. To our knowledge, no occurrence of c.7610A>G in individuals affected with BRCA2-related conditions and no experimental evidence demonstrating its impact on protein function have been reported. ClinVar contains an entry for this variant (Variation ID: 52360). Based on the evidence outlined above, the variant was classified as uncertain significance.

Myriad Genetics, Inc.
Classification: Likely benign for Breast-ovarian cancer, familial, susceptibility to, 2. Last evaluated: 2026-04-29. Review status: criteria provided, single submitter. Criteria: Myriad Autosomal Dominant, Autosomal Recessive and X-Linked Classification Criteria (2023). Collection method: clinical testing. Allele origin: unknown.
Comment: This variant is considered likely benign. This variant is strongly associated with less severe personal and family histories of cancer, typical for individuals without pathogenic variants in this gene [PMID: 25085752].

Labcorp Genetics (formerly Invitae), Labcorp
Classification: Uncertain significance for Hereditary breast ovarian cancer syndrome. Last evaluated: 2025-05-12. Review status: criteria provided, single submitter. Criteria: Invitae Variant Classification Sherloc (09022015). Collection method: clinical testing. Allele origin: germline.
Comment: This sequence change replaces histidine, which is basic and polar, with arginine, which is basic and polar, at codon 2537 of the BRCA2 protein (p.His2537Arg). This variant is not present in population databases (gnomAD no frequency). This variant has not been reported in the literature in individuals affected with BRCA2-related conditions. ClinVar contains an entry for this variant (Variation ID: 52360). Invitae Evidence Modeling of protein sequence and biophysical properties (such as structural, functional, and spatial information, amino acid conservation, physicochemical variation, residue mobility, and thermodynamic stability) indicates that this missense variant is not expected to disrupt BRCA2 protein function with a negative predictive value of 95%. In summary, the available evidence is currently insufficient to determine the role of this variant in disease. Therefore, it has been classified as a Variant of Uncertain Significance.

Ambry Genetics
Classification: Likely benign for Hereditary cancer-predisposing syndrome. Last evaluated: 2025-05-03. Review status: criteria provided, single submitter. Criteria: Ambry Variant Classification Scheme 2023. Collection method: clinical testing. Allele origin: germline.

Center for Genomic Medicine, Rigshospitalet, Copenhagen University Hospital
Classification: Uncertain significance. Last evaluated: 2025-03-04. Review status: criteria provided, single submitter. Criteria: ACMG Guidelines, 2015. Collection method: clinical testing. Allele origin: germline.
Comment: Classification criteria: BP4

Quest Diagnostics Nichols Institute San Juan Capistrano
Classification: Uncertain significance. Last evaluated: 2018-06-28. Review status: criteria provided, single submitter. Criteria: Quest Diagnostics criteria. Collection method: clinical testing. Allele origin: germline.

Breast Cancer Information Core (BIC) (BRCA2)
Classification: Uncertain significance for Breast-ovarian cancer, familial 2. Last evaluated: 2004-02-20. Review status: no assertion criteria provided. Collection method: clinical testing. Allele origin: germline. Affected: yes. Observed: 1 variant allele. Not counted in ClinVar's aggregate classification.

Literature cited by the submitters: PubMed 25085752 (cited by Myriad Genetics, Inc.); PubMed 19043619 (cited by Ambry Genetics).

NM_000059.4(BRCA2):c.7610A>G (p.His2537Arg)

Gene: BRCA2 (BRCA2 DNA repair associated; plus strand). Cytogenetic location: 13q13.1.
Variant type: single nucleotide variant.
Coding change: c.7610A>G on transcript NM_000059.4 (MANE Select); coding-DNA position 7610, A replaced by G.
Protein change: p.His2537Arg; replaces histidine 2537 with arginine.
Molecular consequence: missense variant.
Genome position (GRCh38, 1-based): chr13:32,356,602, A>G. VCF-style: chr13-32356602-A-G. GRCh37 (hg19) VCF-style: chr13-32930739-A-G.
Other names: short protein forms H2537R.
Identifiers: ClinVar variation 52360 (VCV000052360.23), dbSNP rs80358988, ClinGen allele CA025178.
Genomic context (GRCh38, chr13:32,356,602, plus strand): 5'-CTCTGCCTCGAATCTCTCTGAAAGCAGCAGTAGGAGGCCAAGTTCCCTCTGCGTGTTCTC[A>G]TAAACAGGTATGTGTTTGTCTACAATACTGATGGCTTTTATGACAGAGTGTAATTTTATT-3'
Protein context (NP_000050.3, residues 2527-2547): VGGQVPSACS[His2537Arg]KQLYTYGVSK